The following is an entry in ClinVar:

NM_000104.4(CYP1B1):c.1451del (p.Ile484fs)

Gene: CYP1B1 (cytochrome P450 family 1 subfamily B member 1; minus strand). Cytogenetic location: 2p22.2.
Variant type: Deletion.
Coding change: c.1451del on transcript NM_000104.4 (MANE Select); coding-DNA position 1451, one base deleted (T; older notation c.1451delT).
Protein change: p.Ile484fs; shifts the reading frame from isoleucine 484.
Molecular consequence: frameshift variant.
Genome position (GRCh38, 1-based): chr2:38,070,903, A deleted on the plus strand (T on the coding strand, the reverse complement: CYP1B1 is on the minus strand). VCF-style (leftmost placement, unchanged base first): chr2-38070902-GA-G. GRCh37 (hg19) VCF-style: chr2-38298045-GA-G.
Other names: short protein forms I484fs.
Identifiers: ClinVar variation 4291877 (VCV004291877.1).

ClinVar aggregate classification (germline): Likely pathogenic (1 of 4 stars; one submission).

Conditions:
Glaucoma 3A. Also called: Glaucoma 3, primary congenital, A. Identifiers: Orphanet 98976, Orphanet 98977, MedGen C1856439, MONDO:0009277, OMIM 231300.

Submission:

3billion
Classification: Likely pathogenic for Glaucoma 3A. Last evaluated: 2025-02-21. Review status: criteria provided, single submitter. Criteria: ACMG Guidelines, 2015. Collection method: clinical testing. Allele origin: germline. Affected: yes.
Comment: The variant is observed at an extremely low frequency in the gnomAD v4.1.0 dataset (total allele frequency: <0.001%). Predicted Consequence/Location: Frameshift: predicted to result in a loss or disruption of normal protein function through protein truncation. The predicted truncated protein may be shortened by more than 10%. Therefore, this variant is classified as Likely pathogenic according to the recommendation of ACMG/AMP guideline.